The following is an entry in ClinVar:

NM_016006.6(ABHD5):c.12G>A (p.Glu4=)

Genes: ABHD5 (abhydrolase domain containing 5, lysophosphatidic acid acyltransferase; plus strand), ANO10 (anoctamin 10; minus strand). Cytogenetic location: 3p21.33.
Variant type: single nucleotide variant.
Coding change: c.12G>A on transcript NM_016006.6 (MANE Select); coding-DNA position 12, G replaced by A.
Protein change: p.Glu4=; no amino-acid change (glutamic acid 4 retained).
Molecular consequence: synonymous variant. On other transcripts: non-coding transcript variant (1), intron variant (2).
Genome position (GRCh38, 1-based): chr3:43,691,004, G>A. VCF-style: chr3-43691004-G-A. GRCh37 (hg19) VCF-style: chr3-43732496-G-A.
Other names: p.Glu4=; c.12G>A, p.Glu4= (NM_001365650.1, NM_001355186.2); c.-12+513C>T (NM_001346469.2, NM_001346468.2).
Identifiers: ClinVar variation 345214 (VCV000345214.16), dbSNP rs141365045, ClinGen allele CA2341210.

ClinVar aggregate classification (germline): Benign. Review status: criteria provided, multiple submitters, no conflicts (2 of 4 stars). 5 submissions from 5 submitters: Benign (5). Last evaluated 2026-02-04.

Conditions:
Triglyceride storage disease with ichthyosis (CDS). Also called: Chanarin-Dorfman Syndrome; ICHTHYOSIFORM ERYTHRODERMA WITH LEUKOCYTE VACUOLATION; TRIGLYCERIDE STORAGE DISEASE WITH IMPAIRED LONG-CHAIN FATTY ACID OXIDATION; Dorfman-Chanarin disease. Identifiers: Orphanet 98907, MedGen C0268238, MONDO:0010155, OMIM 275630.

Allele frequency attached by ClinVar (database versions not stated): gnomAD 0.01973 and 0.02264; TOPMed 0.02181; ESP Exome Variant Server 0.01890; gnomAD exomes 0.02806 and 0.03236; ExAC 0.03696; 1000 Genomes Project 30x 0.03482; 1000 Genomes Project 0.03674.
gnomAD v4.1: 43,400 of 1,569,968 alleles (2.8%); highest among the groups gnomAD compares: South Asian, 9%; 897 homozygotes.

Submissions (5):

Labcorp Genetics (formerly Invitae), Labcorp
Classification: Benign. Last evaluated: 2026-02-04. Review status: criteria provided, single submitter. Criteria: Invitae Variant Classification Sherloc (09022015). Collection method: clinical testing. Allele origin: germline.

Mayo Clinic Laboratories, Mayo Clinic
Classification: Benign. Last evaluated: 2021-11-19. Review status: criteria provided, single submitter. Criteria: ACMG Guidelines, 2015. Collection method: clinical testing. Allele origin: germline. Observed: 59 variant alleles.

GeneDx
Classification: Benign. Last evaluated: 2018-06-18. Review status: criteria provided, single submitter. Criteria: GeneDx Variant Classification (06012015). Collection method: clinical testing. Allele origin: germline. Affected: yes.
Comment: This variant is considered likely benign or benign based on one or more of the following criteria: it is a conservative change, it occurs at a poorly conserved position in the protein, it is predicted to be benign by multiple in silico algorithms, and/or has population frequency not consistent with disease.

Illumina Laboratory Services, Illumina
Classification: Benign for Triglyceride storage disease with ichthyosis. Last evaluated: 2018-01-12. Review status: criteria provided, single submitter. Criteria: ICSL Variant Classification Criteria 13 December 2019. Collection method: clinical testing. Allele origin: germline.
Comment: This variant was observed in the ICSL laboratory as part of a predisposition screen in an ostensibly healthy population. It had not been previously curated by ICSL or reported in the Human Gene Mutation Database (HGMD: prior to June 1st, 2018), and was therefore a candidate for classification through an automated scoring system. Utilizing variant allele frequency, disease prevalence and penetrance estimates, and inheritance mode, an automated score was calculated to assess if this variant is too frequent to cause the disease. Based on the score and internal cut-off values, a variant classified as benign is not then subjected to further curation. The score for this variant resulted in a classification of benign for this disease.

Breakthrough Genomics
Classification: Benign. Review status: criteria provided, single submitter. Criteria: ACMG Guidelines, 2015. Collection method: not provided. Allele origin: germline. Inheritance: Autosomal recessive inheritance. Affected: yes.